The following is an entry in ClinVar:

ClinVar aggregate classification (germline): Likely benign (1 of 4 stars; one submission).

Conditions:
Wilson disease (WND). Also called: Wilson's disease. Identifiers: Orphanet 905, MedGen C0019202, MONDO:0010200, OMIM 277900. Disease mechanism: loss of function.

Allele frequency attached by ClinVar (database versions not stated): TOPMed below 0.00001.
gnomAD v4.1: 1 of 1,614,228 alleles (0.000062%); highest among the groups gnomAD compares: Non-Finnish European, 0.000085%; no homozygotes.

Submission:

All of Us Research Program, National Institutes of Health
Classification: Likely benign for Wilson disease. Last evaluated: 2023-10-06. Review status: criteria provided, single submitter. Criteria: ACMG Guidelines, 2015. Collection method: clinical testing. Allele origin: germline. Inheritance: Autosomal recessive inheritance. Observed: 1 variant allele, 1 heterozygote.
Comment: This study involves interpretation of variants in research participants for the purpose of population health screening. Participant phenotype was not available at the time of variant classification. Additional details can be found in publication PMID: 35346344, PMCID: PMC8962531

NM_000053.4(ATP7B):c.24C>T (p.Ile8=)

Gene: ATP7B (ATPase copper transporting beta; minus strand). Cytogenetic location: 13q14.3.
Variant type: single nucleotide variant.
Coding change: c.24C>T on transcript NM_000053.4 (MANE Select); coding-DNA position 24, C replaced by T.
Protein change: p.Ile8=; no amino-acid change (isoleucine 8 retained).
Molecular consequence: synonymous variant. On other transcripts: 5 prime UTR variant (3).
Genome position (GRCh38, 1-based): chr13:52,011,314, G>A on the plus strand (C>T on the coding strand, the complement: ATP7B is on the minus strand). VCF-style: chr13-52011314-G-A. GRCh37 (hg19) VCF-style: chr13-52585450-G-A.
Other names: c.24C>T, p.Ile8= (NM_001005918.3, NM_001243182.2, NM_001330578.2 and 30 more transcripts); c.-164C>T (NM_001406518.1); c.-106C>T (NM_001406539.1, NM_001406543.1).
Identifiers: ClinVar variation 3073738 (VCV003073738.1), dbSNP rs1954025186, ClinGen allele CA483898051.
Genomic context (GRCh38, chr13:52,011,314, plus strand): 5'-CACGCTGCGCGGACGCGGGGGAACAAAACTCACTTTCCGACTGGCCCCTTCTCTGGCTGT[G>A]ATCTGTCTCTCCTGCTCAGGCATCGTCCCGCACGGACACCGAATTCTTCTCTGATCTGGC-3'
Protein context (NP_000044.2, residues 1-18): MPEQERQ[Ile8=]TAREGASRKI